The following is an entry in ClinVar:

NM_005051.3(QARS1):c.2104G>A (p.Glu702Lys)

Gene: QARS1 (glutaminyl-tRNA synthetase 1; minus strand). Cytogenetic location: 3p21.31.
Variant type: single nucleotide variant.
Coding change: c.2104G>A on transcript NM_005051.3 (MANE Select); coding-DNA position 2104, G replaced by A.
Protein change: p.Glu702Lys; replaces glutamic acid 702 with lysine.
Molecular consequence: missense variant. On other transcripts: non-coding transcript variant (1).
Genome position (GRCh38, 1-based): chr3:49,098,239, C>T on the plus strand (G>A on the coding strand, the complement: QARS1 is on the minus strand). VCF-style: chr3-49098239-C-T. GRCh37 (hg19) VCF-style: chr3-49135672-C-T.
Other names: c.2071G>A, p.Glu691Lys (NM_001272073.2); short protein forms E702K, E691K.
Identifiers: ClinVar variation 1396517 (VCV001396517.8), dbSNP rs2107095526, ClinGen allele CA352698402.

ClinVar aggregate classification (germline): Uncertain significance (1 of 4 stars; one submission).

Conditions:
Diffuse cerebral and cerebellar atrophy - intractable seizures - progressive microcephaly syndrome. Also called: Microcephaly, progressive, with seizures and cerebral and cerebellar atrophy. Identifiers: Orphanet 404437, MedGen C4014239, MONDO:0014335, OMIM 615760.

Allele frequency attached by ClinVar (database versions not stated): gnomAD exomes 0.00001.
gnomAD v4.1: 9 of 1,614,204 alleles (0.00056%); highest among the groups gnomAD compares: African/African-American, 0.0013%; no homozygotes.

Submission:

Labcorp Genetics (formerly Invitae), Labcorp
Classification: Uncertain significance for Diffuse cerebral and cerebellar atrophy - intractable seizures - progressive microcephaly syndrome. Last evaluated: 2022-02-02. Review status: criteria provided, single submitter. Criteria: Invitae Variant Classification Sherloc (09022015). Collection method: clinical testing. Allele origin: germline.
Comment: In summary, the available evidence is currently insufficient to determine the role of this variant in disease. Therefore, it has been classified as a Variant of Uncertain Significance. Algorithms developed to predict the effect of missense changes on protein structure and function are either unavailable or do not agree on the potential impact of this missense change (SIFT: "Deleterious"; PolyPhen-2: "Not Available"; Align-GVGD: "Class C0"). This variant has not been reported in the literature in individuals affected with QARS-related conditions. This variant is not present in population databases (gnomAD no frequency). This sequence change replaces glutamic acid, which is acidic and polar, with lysine, which is basic and polar, at codon 702 of the QARS protein (p.Glu702Lys).